The following is an entry in ClinVar:

ClinVar aggregate classification (germline): Uncertain significance (1 of 4 stars; one submission).

Submission:

Labcorp Genetics (formerly Invitae), Labcorp
Classification: Uncertain significance. Last evaluated: 2025-02-12. Review status: criteria provided, single submitter. Criteria: Invitae Variant Classification Sherloc (09022015). Collection method: clinical testing. Allele origin: germline.
Comment: This sequence change creates a premature translational stop signal (p.Ser1280Leufs*34) in the A2ML1 gene. It is expected to result in an absent or disrupted protein product. However, the current clinical and genetic evidence is not sufficient to establish whether loss-of-function variants in A2ML1 cause disease. This variant is not present in population databases (gnomAD no frequency). This variant has not been reported in the literature in individuals affected with A2ML1-related conditions. In summary, the available evidence is currently insufficient to determine the role of this variant in disease. Therefore, it has been classified as a Variant of Uncertain Significance.

NM_144670.6(A2ML1):c.3839_3842del (p.Ser1280fs)

Gene: A2ML1 (alpha-2-macroglobulin like 1; plus strand). Cytogenetic location: 12p13.31.
Variant type: Microsatellite.
Coding change: c.3839_3842del on transcript NM_144670.6 (MANE Select); coding-DNA positions 3839 to 3842, 4 bases deleted (CAGT; older notation c.3839_3842delCAGT).
Protein change: p.Ser1280fs; shifts the reading frame from serine 1280.
Molecular consequence: frameshift variant.
Genome position (GRCh38, 1-based): chr12:8,867,963-8,867,966, CAGT deleted; deleting any 4 consecutive bases within chr12:8,867,959-8,867,966 gives the same sequence; the c. name uses the placement nearest the transcript's 3' end. VCF-style (leftmost placement, unchanged base first): chr12-8867958-ACAGT-A. GRCh37 (hg19) VCF-style: chr12-9020554-ACAGT-A.
Other names: c.2366_2369del, p.Ser789fs (NM_001282424.3); short protein forms S789fs, S1280fs.
Identifiers: ClinVar variation 4712431 (VCV004712431.1).